The following is an entry in ClinVar:

ClinVar aggregate classification (germline): Likely pathogenic (1 of 4 stars; one submission).

Conditions:
Fanconi anemia (FA). Also called: Fanconi's anemia. Identifiers: Orphanet 84, MedGen C0015625, MeSH D005199, MONDO:0019391.

Submission:

Labcorp Genetics (formerly Invitae), Labcorp
Classification: Likely pathogenic for Fanconi anemia. Last evaluated: 2023-11-04. Review status: criteria provided, single submitter. Criteria: Invitae Variant Classification Sherloc (09022015). Collection method: clinical testing. Allele origin: germline.
Comment: This sequence change affects a donor splice site in intron 13 of the FANCD2 gene. It is expected to disrupt RNA splicing. Variants that disrupt the donor or acceptor splice site typically lead to a loss of protein function (PMID: 16199547), and loss-of-function variants in FANCD2 are known to be pathogenic (PMID: 17436244). This variant is not present in population databases (gnomAD no frequency). This variant has not been reported in the literature in individuals affected with FANCD2-related conditions. Algorithms developed to predict the effect of sequence changes on RNA splicing suggest that this variant may disrupt the consensus splice site. In summary, the currently available evidence indicates that the variant is pathogenic, but additional data are needed to prove that conclusively. Therefore, this variant has been classified as Likely Pathogenic.

Literature cited by the submitters: PubMed 16199547; PubMed 17436244.

NM_001018115.3(FANCD2):c.1098+2T>A

Genes: FANCD2 (FA complementation group D2; plus strand), LOC107303338 (3p25 FANCD2 Alu-mediated recombination region; plus strand). Cytogenetic location: 3p25.3.
Variant type: single nucleotide variant.
Coding change: c.1098+2T>A on transcript NM_001018115.3 (MANE Select); the canonical splice donor site of the intron after coding-DNA position 1098, T replaced by A.
Molecular consequence: splice donor variant.
Genome position (GRCh38, 1-based): chr3:10,043,594, T>A. VCF-style: chr3-10043594-T-A. GRCh37 (hg19) VCF-style: chr3-10085278-T-A.
Other names: c.1098+2T>A (NM_001319984.2, NM_001374253.1, NM_033084.6 and 1 more transcripts).
Identifiers: ClinVar variation 2693176 (VCV002693176.3), dbSNP rs2470758691, ClinGen allele CA351731103.